The following is an entry in ClinVar:

NM_001458.5(FLNC):c.5816G>A (p.Gly1939Glu)

Genes: FLNC (filamin C; plus strand), FLNC-AS1 (FLNC antisense RNA 1; minus strand). Cytogenetic location: 7q32.1.
Variant type: single nucleotide variant.
Coding change: c.5816G>A on transcript NM_001458.5 (MANE Select); coding-DNA position 5816, G replaced by A.
Protein change: p.Gly1939Glu; replaces glycine 1939 with glutamic acid.
Molecular consequence: missense variant.
Genome position (GRCh38, 1-based): chr7:128,851,602, G>A. VCF-style: chr7-128851602-G-A. GRCh37 (hg19) VCF-style: chr7-128491656-G-A.
Other names: c.5717G>A, p.Gly1906Glu (NM_001127487.2); short protein forms G1939E, G1906E.
Identifiers: ClinVar variation 1749864 (VCV001749864.2), dbSNP rs2536656663, ClinGen allele CA369208576.

ClinVar aggregate classification (germline): Uncertain significance (1 of 4 stars; one submission).

Conditions:
Cardiovascular phenotype. Identifiers: MedGen CN230736.

Submission:

Ambry Genetics
Classification: Uncertain significance for Cardiovascular phenotype. Last evaluated: 2022-09-12. Review status: criteria provided, single submitter. Criteria: Ambry Variant Classification Scheme 2023. Collection method: clinical testing. Allele origin: germline.
Comment: The p.G1939E variant (also known as c.5816G>A), located in coding exon 35 of the FLNC gene, results from a G to A substitution at nucleotide position 5816. The glycine at codon 1939 is replaced by glutamic acid, an amino acid with similar properties. This amino acid position is conserved. In addition, this alteration is predicted to be deleterious by in silico analysis. Since supporting evidence is limited at this time, the clinical significance of this alteration remains unclear.